The following is an entry in ClinVar:

ClinVar aggregate classification (germline): Likely benign. Review status: criteria provided, single submitter (1 of 4 stars). 2 submissions from 2 submitters: Likely benign (1). 1 of the submissions does not count toward it. Last evaluated 2025-12-19.

Conditions:
RYR1-related disorder. Also called: RYR1-related condition; RYR1-related disorders. Identifiers: MedGen CN239331.

Allele frequency attached by ClinVar (database versions not stated): gnomAD 0.00001; gnomAD exomes 0.00001 and 0.00002; ExAC 0.00002; TOPMed 0.00002; ESP Exome Variant Server 0.00008.
gnomAD v4.1: 18 of 1,614,036 alleles (0.0011%); highest among the groups gnomAD compares: African/African-American, 0.0053%; no homozygotes.

Submissions (2):

Labcorp Genetics (formerly Invitae), Labcorp
Classification: Likely benign for RYR1-related disorder. Last evaluated: 2025-12-19. Review status: criteria provided, single submitter. Criteria: Invitae Variant Classification Sherloc (09022015). Collection method: clinical testing. Allele origin: germline.

PreventionGenetics, part of Exact Sciences
Classification: Likely benign for RYR1-related condition. Last evaluated: 2020-09-30. Review status: no assertion criteria provided. Collection method: clinical testing. Allele origin: germline. Not counted in ClinVar's aggregate classification.
Comment: This variant is classified as likely benign based on ACMG/AMP sequence variant interpretation guidelines (Richards et al. 2015 PMID: 25741868, with internal and published modifications).

NM_000540.3(RYR1):c.7410C>T (p.Ile2470=)

Gene: RYR1 (ryanodine receptor 1; plus strand). Cytogenetic location: 19q13.2.
Variant type: single nucleotide variant.
Coding change: c.7410C>T on transcript NM_000540.3 (MANE Select); coding-DNA position 7410, C replaced by T.
Protein change: p.Ile2470=; no amino-acid change (isoleucine 2470 retained).
Molecular consequence: synonymous variant.
Genome position (GRCh38, 1-based): chr19:38,500,692, C>T. VCF-style: chr19-38500692-C-T. GRCh37 (hg19) VCF-style: chr19-38991332-C-T.
Other names: c.7410C>T (NM_000540.2); c.7410C>T, p.Ile2470= (NM_001042723.2).
Identifiers: ClinVar variation 1133462 (VCV001133462.11), dbSNP rs148275452, ClinGen allele CA069609.
Genomic context (GRCh38, chr19:38,500,692, plus strand): 5'-CCTGCGGATCCGCGCCATCCTCCGCTCCCTTGTGCCCTTGGAGGACCTTGTGGGCATCAT[C>T]AGCCTCCCACTGCAGATTCCCACCCTGGGCAAAGGTGCAGAGGGGATGGAACTTGGCGAA-3'
Protein context (NP_000531.2, residues 2460-2480): LVPLEDLVGI[Ile2470=]SLPLQIPTLG